The following is an entry in ClinVar:

ClinVar aggregate classification (germline): Conflicting classifications of pathogenicity. Review status: criteria provided, conflicting classifications (1 of 4 stars). 2 submissions from 2 submitters: Uncertain significance (1); Likely benign (1). Last evaluated 2022-06-08.

Conditions:
Inborn genetic diseases. Identifiers: MedGen C0950123, MeSH D030342.

Allele frequency attached by ClinVar (database versions not stated): gnomAD 0.00001; TOPMed 0.00001; gnomAD exomes 0.00002 and 0.00004.
gnomAD v4.1: 59 of 1,575,778 alleles (0.0037%); highest among the groups gnomAD compares: Non-Finnish European, 0.0049%; no homozygotes.

Submissions (2):

Labcorp Genetics (formerly Invitae), Labcorp
Classification: Uncertain significance. Last evaluated: 2022-06-08. Review status: criteria provided, single submitter. Criteria: Invitae Variant Classification Sherloc (09022015). Collection method: clinical testing. Allele origin: germline.
Comment: This sequence change replaces isoleucine, which is neutral and non-polar, with valine, which is neutral and non-polar, at codon 1443 of the TUBGCP6 protein (p.Ile1443Val). This variant is present in population databases (no rsID available, gnomAD 0.005%). This variant has not been reported in the literature in individuals affected with TUBGCP6-related conditions. Algorithms developed to predict the effect of missense changes on protein structure and function output the following: SIFT: "Tolerated"; PolyPhen-2: "Benign"; Align-GVGD: "Class C0". The valine amino acid residue is found in multiple mammalian species, which suggests that this missense change does not adversely affect protein function. In summary, the available evidence is currently insufficient to determine the role of this variant in disease. Therefore, it has been classified as a Variant of Uncertain Significance.

Ambry Genetics
Classification: Likely benign for Inborn genetic diseases. Last evaluated: 2021-12-07. Review status: criteria provided, single submitter. Criteria: Ambry Variant Classification Scheme 2023. Collection method: clinical testing. Allele origin: germline.

NM_020461.4(TUBGCP6):c.4327A>G (p.Ile1443Val)

Gene: TUBGCP6 (tubulin gamma complex component 6; minus strand). Cytogenetic location: 22q13.33.
Variant type: single nucleotide variant.
Coding change: c.4327A>G on transcript NM_020461.4 (MANE Select); coding-DNA position 4327, A replaced by G.
Protein change: p.Ile1443Val; replaces isoleucine 1443 with valine.
Molecular consequence: missense variant.
Genome position (GRCh38, 1-based): chr22:50,219,445, T>C on the plus strand (A>G on the coding strand, the complement: TUBGCP6 is on the minus strand). VCF-style: chr22-50219445-T-C. GRCh37 (hg19) VCF-style: chr22-50657874-T-C.
Other names: c.4327A>G (NM_020461.3); short protein forms I1443V.
Identifiers: ClinVar variation 1505766 (VCV001505766.6), dbSNP rs967392340, ClinGen allele CA325509765.
Genomic context (GRCh38, chr22:50,219,445, plus strand): 5'-CCTGGGGGTCCACGGGGAAGGCGAAGGCCCGGGGAAGCACGGGGCGCAAAAGATGAGCAA[T>C]GGGCGGCTCGGCTGCGGGAGATGGAGCACGCACGTGCTGGGAACCGGCCAGCCCAGGGCT-3'
Protein context (NP_065194.3, residues 1433-1453): DSYESMSEPP[Ile1443Val]AHLLRPVLPR